The following is an entry in ClinVar:

NM_001377540.1(SLMAP):c.1262G>A (p.Gly421Glu)

Gene: SLMAP (sarcolemma associated protein; plus strand). Cytogenetic location: 3p14.3.
Variant type: single nucleotide variant.
Coding change: c.1262G>A on transcript NM_001377540.1 (MANE Select); coding-DNA position 1262, G replaced by A.
Protein change: p.Gly421Glu; replaces glycine 421 with glutamic acid.
Molecular consequence: missense variant. On other transcripts: non-coding transcript variant (1), intron variant (9).
Genome position (GRCh38, 1-based): chr3:57,871,660, G>A. VCF-style: chr3-57871660-G-A. GRCh37 (hg19) VCF-style: chr3-57857387-G-A.
Other names: c.1211G>A, p.Gly404Glu (NM_001304420.3, NM_001377541.1, NM_001377542.1 and 2 more transcripts); c.1262G>A, p.Gly421Glu (NM_001377538.1, NM_001377539.1, NM_001377555.1); c.1160G>A, p.Gly387Glu (NM_001377549.1, NM_001377923.1, NM_007159.5); c.1237+6368G>A (NM_001377545.1, NM_001377922.1); c.1186+6803G>A (NM_001377552.1, NM_001377551.1, NM_001377924.1); c.1135+6944G>A (NM_001377559.1, NM_001377557.1, NM_001377925.1 and 1 more transcripts); short protein forms G387E, G404E, G421E.
Identifiers: ClinVar variation 3320574 (VCV003320574.1).

ClinVar aggregate classification (germline): Uncertain significance (1 of 4 stars; one submission).

Submission:

Ambry Genetics
Classification: Uncertain significance. Last evaluated: 2024-05-19. Review status: criteria provided, single submitter. Criteria: Ambry Variant Classification Scheme 2023. Collection method: clinical testing. Allele origin: germline.
Comment: The p.G387E variant (also known as c.1160G>A), located in coding exon 11 of the SLMAP gene, results from a G to A substitution at nucleotide position 1160. The glycine at codon 387 is replaced by glutamic acid, an amino acid with similar properties. This amino acid position is conserved. In addition, this alteration is predicted to be tolerated by in silico analysis. Based on the available evidence, the clinical significance of this variant remains unclear.